The following is an entry in ClinVar:

ClinVar aggregate classification (germline): Conflicting classifications of pathogenicity. Review status: criteria provided, conflicting classifications (1 of 4 stars). 10 submissions from 10 submitters: Uncertain significance (2); Benign (2); Likely benign (5). 1 of the submissions does not count toward it. Last evaluated 2026-01-28.

Conditions:
Familial thoracic aortic aneurysm and aortic dissection (TAAD). Also called: Thoracic aortic aneurysms and dissections. Identifiers: Orphanet 91387, MedGen C4707243, MONDO:0019625.
Marfan syndrome (MFS). Also called: FBN1-Related Marfan Syndrome; Marfan syndrome type 1; Marfan's syndrome; Marfan syndrome, classic; MARFAN SYNDROME, TYPE I. Identifiers: Orphanet 284963, Orphanet 558, MedGen C0024796, MONDO:0007947, OMIM 154700.
FBN1-related disorder. Also called: FBN1-related disorders.

Allele frequency attached by ClinVar (database versions not stated): ExAC 0.00025; gnomAD 0.00029 and 0.00028; ESP Exome Variant Server 0.00038; 1000 Genomes Project 0.00100; TOPMed 0.00028; 1000 Genomes Project 30x 0.00094; gnomAD exomes 0.00020.
gnomAD v4.1: 167 of 1,614,088 alleles (0.01%); highest among the groups gnomAD compares: South Asian, 0.089%; 1 homozygote.

Submissions (10):

Labcorp Genetics (formerly Invitae), Labcorp
Classification: Likely benign for Marfan syndrome; Familial thoracic aortic aneurysm and aortic dissection. Last evaluated: 2026-01-28. Review status: criteria provided, single submitter. Criteria: Invitae Variant Classification Sherloc (09022015). Collection method: clinical testing. Allele origin: germline.

Ambry Genetics
Classification: Likely benign for Familial thoracic aortic aneurysm and aortic dissection. Last evaluated: 2025-05-03. Review status: criteria provided, single submitter. Criteria: Ambry Variant Classification Scheme 2023. Collection method: clinical testing. Allele origin: germline.

Mendelics
Classification: Benign for Marfan syndrome. Last evaluated: 2023-08-22. Review status: criteria provided, single submitter. Criteria: Mendelics Assertion Criteria 2019. Collection method: clinical testing. Allele origin: germline.

CHEO Genetics Diagnostic Laboratory, Children's Hospital of Eastern Ontario
Classification: Likely benign for Familial thoracic aortic aneurysm and aortic dissection. Last evaluated: 2022-02-28. Review status: criteria provided, single submitter. Criteria: ACMG Guidelines, 2015. Collection method: clinical testing. Allele origin: germline.

GeneDx
Classification: Likely benign. Last evaluated: 2021-04-28. Review status: criteria provided, single submitter. Criteria: GeneDx Variant Classification Process June 2021. Collection method: clinical testing. Allele origin: germline. Affected: yes.
Comment: Has been previously reported in published literature (Groth et al., 2017); In silico analysis supports that this missense variant does not alter protein structure/function; Does not affect a cysteine residue within a calcium-binding EGF-like domain of the FBN1 gene; cysteine substitutions in the calcium-binding EGF-like domains represent the majority of pathogenic missense changes associated with FBN1-related disorders (Collod-Beroud et al., 2003).; Reported in ClinVar (ClinVar Variant ID# 36111; Landrum et al., 2016); Observed in 55/282,216 (0.02%) alleles in large population cohorts (Lek et al., 2016); This variant is associated with the following publications: (PMID: 27906200)

Color Diagnostics, LLC DBA Color Health
Classification: Likely benign for Familial thoracic aortic aneurysm and aortic dissection. Last evaluated: 2020-02-11. Review status: criteria provided, single submitter. Criteria: ACMG Guidelines, 2015. Collection method: clinical testing. Allele origin: germline.

ARUP Laboratories, Molecular Genetics and Genomics, ARUP Laboratories
Classification: Uncertain significance. Last evaluated: 2017-10-18. Review status: criteria provided, single submitter. Criteria: ARUP Molecular Germline Variant Investigation Process. Collection method: clinical testing. Allele origin: germline.

Women's Health and Genetics/Laboratory Corporation of America, LabCorp
Classification: Benign. Last evaluated: 2017-06-28. Review status: criteria provided, single submitter. Criteria: LabCorp Variant Classification Summary - May 2015. Collection method: clinical testing. Allele origin: germline.
Comment: Variant summary: The FBN1 c.7072G>A (p.Val2358Ile) variant involves the alteration of a conserved nucleotide. 3/4 in silico tools predict a benign outcome for this variant. Multiple clinical diagnostic laboratories/reputable databases classified this variant as VUS. However, this variant was found in 30/121026 control chromosomes at a frequency of 0.0002479, which is approximately 2 times the estimated maximal expected allele frequency of a pathogenic FBN1 variant (0.0001125), suggesting this variant is likely a benign polymorphism. Taken together, this variant is classified as benign.

Genomic Diagnostic Laboratory, Division of Genomic Diagnostics, Children's Hospital of Philadelphia
Classification: Uncertain significance for Marfan's syndrome. Last evaluated: 2015-10-13. Review status: criteria provided, single submitter. Criteria: DGD Variant Analysis Guidelines. Collection method: clinical testing. Allele origin: unknown.

PreventionGenetics, part of Exact Sciences
Classification: Likely benign for FBN1-related condition. Last evaluated: 2022-12-22. Review status: no assertion criteria provided. Collection method: clinical testing. Allele origin: germline. Not counted in ClinVar's aggregate classification.
Comment: This variant is classified as likely benign based on ACMG/AMP sequence variant interpretation guidelines (Richards et al. 2015 PMID: 25741868, with internal and published modifications).

NM_000138.5(FBN1):c.7072G>A (p.Val2358Ile)

Gene: FBN1 (fibrillin 1; minus strand). Cytogenetic location: 15q21.1.
Variant type: single nucleotide variant.
Coding change: c.7072G>A on transcript NM_000138.5 (MANE Select); coding-DNA position 7072, G replaced by A.
Protein change: p.Val2358Ile; replaces valine 2358 with isoleucine.
Molecular consequence: missense variant.
Genome position (GRCh38, 1-based): chr15:48,427,699, C>T on the plus strand (G>A on the coding strand, the complement: FBN1 is on the minus strand). VCF-style: chr15-48427699-C-T. GRCh37 (hg19) VCF-style: chr15-48719896-C-T.
Other names: p.V2358I:GTC>ATC; short protein forms V2358I.
Identifiers: ClinVar variation 36111 (VCV000036111.33), dbSNP rs140537304, ClinGen allele CA016976.